The following is an entry in ClinVar:

NM_004168.4(SDHA):c.1103_1105del (p.Leu368del)

Gene: SDHA (succinate dehydrogenase complex flavoprotein subunit A; plus strand). Cytogenetic location: 5p15.33.
Variant type: Deletion.
Coding change: c.1103_1105del on transcript NM_004168.4 (MANE Select); coding-DNA positions 1103 to 1105, 3 bases deleted (TGC; older notation c.1103_1105delTGC).
Protein change: p.Leu368del; deletes leucine 368.
Molecular consequence: inframe deletion.
Genome position (GRCh38, 1-based): chr5:235,182-235,184, TGC deleted; deleting any 3 consecutive bases within chr5:235,180-235,184 gives the same sequence; the c. name uses the placement nearest the transcript's 3' end. VCF-style (leftmost placement, unchanged base first): chr5-235179-AGCT-A. GRCh37 (hg19) VCF-style: chr5-235294-AGCT-A.
Other names: c.959_961del, p.Leu320del (NM_001294332.2); c.1103_1105del, p.Leu368del (NM_001330758.2); short protein forms L320del, L368del.
Identifiers: ClinVar variation 841881 (VCV000841881.8), dbSNP rs1735689664, ClinGen allele CA916082676.

ClinVar aggregate classification (germline): Uncertain significance (1 of 4 stars; one submission).

Conditions:
Pheochromocytoma/paraganglioma syndrome 5. Also called: Paragangliomas 5; SDHA-Related Hereditary Paraganglioma-Pheochromocytoma Syndrome. Identifiers: Orphanet 29072, MedGen C3279992, MONDO:0013602, OMIM 614165.
Mitochondrial complex II deficiency, nuclear type 1. Also called: SUCCINATE CoQ REDUCTASE DEFICIENCY. Identifiers: Orphanet 3208, MedGen C5700310, MONDO:0100294, OMIM 252011.

Submission:

Labcorp Genetics (formerly Invitae), Labcorp
Classification: Uncertain significance for Pheochromocytoma/paraganglioma syndrome 5; Mitochondrial complex II deficiency, nuclear type 1. Last evaluated: 2021-10-18. Review status: criteria provided, single submitter. Criteria: Invitae Variant Classification Sherloc (09022015). Collection method: clinical testing. Allele origin: germline.
Comment: This variant is not present in population databases (gnomAD no frequency). This variant, c.1103_1105del, results in the deletion of 1 amino acid(s) of the SDHA protein (p.Leu368del), but otherwise preserves the integrity of the reading frame. This variant has not been reported in the literature in individuals affected with SDHA-related conditions. In summary, the available evidence is currently insufficient to determine the role of this variant in disease. Therefore, it has been classified as a Variant of Uncertain Significance. Experimental studies and prediction algorithms are not available or were not evaluated, and the functional significance of this variant is currently unknown. ClinVar contains an entry for this variant (Variation ID: 841881).